The following is an entry in ClinVar:

NM_015261.3(NCAPD3):c.4327+8C>A

Gene: NCAPD3 (non-SMC condensin II complex subunit D3; minus strand). Cytogenetic location: 11q25.
Variant type: single nucleotide variant.
Coding change: c.4327+8C>A on transcript NM_015261.3 (MANE Select); 8 bases into the intron after coding-DNA position 4327, C replaced by A.
Molecular consequence: intron variant.
Genome position (GRCh38, 1-based): chr11:134,153,281, G>T on the plus strand (C>A on the coding strand, the complement: NCAPD3 is on the minus strand). VCF-style: chr11-134153281-G-T. GRCh37 (hg19) VCF-style: chr11-134023176-G-T.
Other names: c.3913+8C>A (NM_001372070.1, NM_001372069.1); c.4327+8C>A (NM_001372065.1, NM_001372068.1).
Identifiers: ClinVar variation 3040633 (VCV003040633.2), dbSNP rs550480461, ClinGen allele CA6370443.

ClinVar aggregate classification (germline): Likely benign (0 of 4 stars; one submission).

Conditions:
NCAPD3-related disorder. Also called: NCAPD3-related condition.

Allele frequency attached by ClinVar (database versions not stated): TOPMed 0.00001; gnomAD 0.00009; 1000 Genomes Project 0.00040; ExAC 0.00046; 1000 Genomes Project 30x 0.00062.
gnomAD v4.1: 306 of 1,614,180 alleles (0.019%); highest among the groups gnomAD compares: South Asian, 0.31%; 3 homozygotes.

Submission:

PreventionGenetics, part of Exact Sciences
Classification: Likely benign for NCAPD3-related condition. Last evaluated: 2023-09-13. Review status: no assertion criteria provided. Collection method: clinical testing. Allele origin: germline.
Comment: This variant is classified as likely benign based on ACMG/AMP sequence variant interpretation guidelines (Richards et al. 2015 PMID: 25741868, with internal and published modifications).